The following is an entry in ClinVar:

ClinVar aggregate classification (germline): Pathogenic. Review status: criteria provided, multiple submitters, no conflicts (2 of 4 stars). 16 submissions from 16 submitters: Pathogenic (13). 3 of the submissions do not count toward it. Last evaluated 2026-06-13.

Conditions:
PAH-related disorder. Also called: PAH-related condition.
Phenylketonuria (PKU). Also called: OLIGOPHRENIA PHENYLPYRUVICA; FOLLING DISEASE; Phenylketonuria (PKU); Phenylketonurias. Identifiers: Orphanet 716, MedGen C0031485, MONDO:0009861, OMIM 261600. Disease mechanism: loss of function.

Allele frequency attached by ClinVar (database versions not stated): gnomAD 0.00007 and 0.00008; TOPMed 0.00008; gnomAD exomes 0.00010 and 0.00015; ExAC 0.00012.
gnomAD v4.1: 224 of 1,613,906 alleles (0.014%); highest among the groups gnomAD compares: Non-Finnish European, 0.018%; no homozygotes.

Submissions 1 to 11 of 16:

PreventionGenetics, part of Exact Sciences
Classification: Pathogenic for PAH-related condition. Last evaluated: 2026-06-13. Review status: criteria provided, single submitter. Criteria: ACMG Guidelines, 2015. Collection method: clinical testing. Allele origin: germline.
Comment: The PAH c.896T>G variant is predicted to result in the amino acid substitution p.Phe299Cys. This variant has been reported in the homozygous state or in the heterozygous state with a second PAH variant in individuals with phenylalanine hydroxylase deficiency (see for example Eiken et al. 1996. PubMed ID: 8875186; Carter et al. 1998. PubMed ID: 9781015; Table S3, Hillert et al. 2020. PubMed ID: 32668217). It has been reported to reduce enzyme activity to <3% in an in vitro study, and is considered to be a classic phenylketonuria (PKU) variant (Knappskog et al. 1993. PubMed ID: 8304187; Table S2, Hillert et al. 2020. PubMed ID: 32668217). This variant is reported in 0.019% of alleles in individuals of European (non-Finnish) descent in gnomAD. Taken together, this variant is interpreted as pathogenic.

Labcorp Genetics (formerly Invitae), Labcorp
Classification: Pathogenic for Phenylketonuria. Last evaluated: 2025-12-31. Review status: criteria provided, single submitter. Criteria: Invitae Variant Classification Sherloc (09022015). Collection method: clinical testing. Allele origin: germline.
Comment: This sequence change replaces phenylalanine, which is neutral and non-polar, with cysteine, which is neutral and slightly polar, at codon 299 of the PAH protein (p.Phe299Cys). This variant is present in population databases (rs62642933, gnomAD 0.02%). This variant has been reported as homozygous or in combination with other pathogenic PAH variants in several individuals affected with hyperphenylalaninemia and phenylketonuria. This variant has been described as a common cause of the disease in Norway and the British Islands, although it has also been observed in other populations (PMID: 7726156, 8831077, 9012412, 9781015, 12173030, 1312992, 26666653). ClinVar contains an entry for this variant (Variation ID: 613). Invitae Evidence Modeling of protein sequence and biophysical properties (such as structural, functional, and spatial information, amino acid conservation, physicochemical variation, residue mobility, and thermodynamic stability) indicates that this missense variant is expected to disrupt PAH protein function with a positive predictive value of 80%. Experimental studies have shown that this missense change affects PAH function (PMID: 8304187). For these reasons, this variant has been classified as Pathogenic.

Natera, Inc.
Classification: Pathogenic for Phenylketonuria. Last evaluated: 2025-11-21. Review status: criteria provided, single submitter. Criteria: Natera Variant Classification Schema (03/2026). Collection method: clinical testing. Allele origin: germline.
Comment: The c.896T>G variant in PAH is a missense variant predicted to cause substitution of phenylalanine to cysteine at amino acid 299. This variant is rare in the general population with a frequency below the threshold expected for the associated phenotype(s). This variant has been observed in one or more individuals affected with the associated recessive disease, as either homozygous or compound heterozygous with a second variant (PMID: 24368688, 26666653). Given the available evidence, this variant is classified as Pathogenic.

CeGaT Center for Human Genetics Tuebingen
Classification: Pathogenic. Last evaluated: 2025-10-01. Review status: criteria provided, single submitter. Criteria: CeGaT Center For Human Genetics Tuebingen Variant Classification Criteria Version 2. Collection method: clinical testing. Allele origin: germline. Affected: yes. Observed: 4 variant alleles.
Comment: PAH: PM3:Very Strong, PM2, PP4:Moderate, PP3, PS3:Supporting

Mayo Clinic Laboratories, Mayo Clinic
Classification: Pathogenic. Last evaluated: 2024-07-08. Review status: criteria provided, single submitter. Criteria: ACMG Guidelines, 2015. Collection method: clinical testing. Allele origin: germline. Observed: 3 variant alleles.
Comment: PP3, PP4, PM2_moderate, PM3_very_strong

Quest Diagnostics Nichols Institute San Juan Capistrano
Classification: Pathogenic. Last evaluated: 2024-02-25. Review status: criteria provided, single submitter. Criteria: Quest Diagnostics criteria. Collection method: clinical testing. Allele origin: unknown.
Comment: The PAH c.896T>G (p.Phe299Cys) variant has been reported in the published literature in individuals with classic Phenylketonuria (PMID: 9634518 (1998), 10980574 (2000), 26666653 (2015), 32668217 (2020)) and hyperphenylalaninemia (PMID: 8533759 (1995), 12173030 (2002)). This variant has been reported to cause severely reduced PAH residual activity (PMIDs: 9399896 (1997) and 10980574 (2000)). The frequency of this variant in the general population, 0.00019 (25/128870 chromosomes (Genome Aggregation Database)), is uninformative in the assessment of its pathogenicity. Analysis of this variant using bioinformatics tools for the prediction of the effect of amino acid changes on protein structure and function yielded predictions that this variant is damaging. Please note that these prediction tools are not fully validated, and therefore, should be viewed with caution. Based on the available information, this variant is classified as pathogenic. Genetic counseling and testing of at-risk relatives are recommended.

Blueprint Genetics
Classification: Pathogenic for PAH-related disorders. Last evaluated: 2023-08-08. Review status: criteria provided, single submitter. Criteria: ACMG Guidelines, 2015. Collection method: clinical testing. Allele origin: germline. Affected: yes. Observed: 5 variant alleles.

GeneDx
Classification: Pathogenic. Last evaluated: 2020-02-14. Review status: criteria provided, single submitter. Criteria: GeneDx Variant Classification Process June 2021. Collection method: clinical testing. Allele origin: germline. Affected: yes.
Comment: Published functional studies demonstrate a damaging effect, specifically that F299C mutant protein is associated with significantly reduced enzyme activity (Knappskog et al., 1993; Waters et al., 1998); Individuals with classic PKU who harbored F299C and a second variant in PAH were described as non-responsive to tetrahydrobiopterin (BH4) therapy (Jeannesson-Thivisol et al., 2015); This variant is associated with the following publications: (PMID: 11368310, 9399896, 9781015, 8889590, 9642259, 15597538, 24517888, 24368688, 12655547, 8831077, 1971147, 8533759, 7913581, 12655553, 8304187, 17924342, 25087612, 10980574, 19244369, 9391881, 26666653, 9450897, 1312992, 32668217, 32853555)

Women's Health and Genetics/Laboratory Corporation of America, LabCorp
Classification: Pathogenic for Phenylketonuria. Last evaluated: 2019-05-16. Review status: criteria provided, single submitter. Criteria: LabCorp Variant Classification Summary - May 2015. Collection method: clinical testing. Allele origin: germline.
Comment: Variant summary: PAH c.896T>G (p.Phe299Cys) results in a non-conservative amino acid change located in the Eukaryotic phenylalanine-4-hydroxylase, catalytic domain of the encoded protein sequence. Five of five in-silico tools predict a damaging effect of the variant on protein function. The variant allele was found at a frequency of 0.0001 in 251056 control chromosomes. c.896T>G has been reported in the literature in numerous individuals affected with Phenylalanine Hydroxylase Deficiency (Phenylketonuria). These data indicate that the variant is very likely to be associated with disease. The variant is reported to have 0% in vitro enzyme activity (Eiken_1996). Four clinical diagnostic laboratories have submitted clinical-significance assessments for this variant to ClinVar after 2014 without evidence for independent evaluation. All laboratories classified the variant as pathogenic. Based on the evidence outlined above, the variant was classified as pathogenic.

Fulgent Genetics
Classification: Pathogenic for Phenylketonuria. Last evaluated: 2018-10-31. Review status: criteria provided, single submitter. Criteria: ACMG Guidelines, 2015. Collection method: clinical testing. Allele origin: unknown.

Illumina Laboratory Services, Illumina
Classification: Pathogenic for Phenylketonuria. Last evaluated: 2018-08-14. Review status: criteria provided, single submitter. Criteria: ICSL Variant Classification Criteria 09 May 2019. Collection method: clinical testing. Allele origin: germline.
Comment: The PAH c.896T>G (p.Phe299Cys) missense variant has been reported in at least six studies and identified in 12 individuals with phenylketonuria (PKU) or hyperphenylalaninemia (HPA) including in one individual with the variant in a homozygous state and 11 individuals in a compound heterozygous state (Eiken et al. 1992; Waters et al. 1998; Aulehla-Scholz and Heilbronner 2003). The variant was also identified in ten alleles where zygosity was not specified in individuals with classical PKU or HPA (Zschoke et al. 1995; KozÃ¡k et al. 1997). Control data are unavailable for the p.Phe299Cys variant which is reported at a frequency of 0.000349 in the European American population of the Exome Sequencing Project. Carter et al. (1998) also report the variant at an average frequency of 6.4% in newborns with PKU or non-PKU HPA identified through newborn screening in Quebec. Based on the evidence, the p.Phe299Cys variant is classified as pathogenic for phenylalanine hydroxylase deficiency. This variant was observed by ICSL as part of a predisposition screen in an ostensibly healthy population.

NM_000277.3(PAH):c.896T>G (p.Phe299Cys)

Genes: PAH (phenylalanine hydroxylase; minus strand), LOC126861615 (CDK7 strongly-dependent group 2 enhancer GRCh37_chr12:103244689-103245888; plus strand). Cytogenetic location: 12q23.2.
Variant type: single nucleotide variant.
Coding change: c.896T>G on transcript NM_000277.3 (MANE Select); coding-DNA position 896, T replaced by G.
Protein change: p.Phe299Cys; replaces phenylalanine 299 with cysteine.
Molecular consequence: missense variant.
Genome position (GRCh38, 1-based): chr12:102,851,703, A>C on the plus strand (T>G on the coding strand, the complement: PAH is on the minus strand). VCF-style: chr12-102851703-A-C. GRCh37 (hg19) VCF-style: chr12-103245481-A-C.
Other names: p.F299C:TTT>TGT; c.896T>G, p.Phe299Cys (NM_001354304.2); c.896T>G (NM_000277.2); short protein forms F299C.
Identifiers: ClinVar variation 613 (VCV000000613.132), dbSNP rs62642933, ClinGen allele CA251541.
Genomic context (GRCh38, chr12:102,851,703, plus strand): 5'-GGTCACAGACCTATAACTAGAAGGCTAAAAAATCCATTCCTTACCTGGGAAAACTGGGCA[A>C]AGCTGCGATCTGAAAACAAGGGCACATGTCCCAACAGCTCATGGCAGATGTCACTGAAAG-3'
Protein context (NP_000268.1, residues 289-309): GHVPLFSDRS[Phe299Cys]AQFSQEIGLA